The following is an entry in ClinVar:

NM_007373.4(SHOC2):c.1600C>G (p.Pro534Ala)

Gene: SHOC2 (SHOC2 leucine rich repeat scaffold protein; plus strand). Cytogenetic location: 10q25.2.
Variant type: single nucleotide variant.
Coding change: c.1600C>G on transcript NM_007373.4 (MANE Select); coding-DNA position 1600, C replaced by G.
Protein change: p.Pro534Ala; replaces proline 534 with alanine.
Molecular consequence: missense variant. On other transcripts: non-coding transcript variant (1).
Genome position (GRCh38, 1-based): chr10:111,011,669, C>G. VCF-style: chr10-111011669-C-G. GRCh37 (hg19) VCF-style: chr10-112771427-C-G.
Other names: c.1462C>G, p.Pro488Ala (NM_001269039.3); c.1600C>G, p.Pro534Ala (NM_001324336.2, NM_001324337.2); short protein forms P534A, P488A.
Identifiers: ClinVar variation 408332 (VCV000408332.6), dbSNP rs1060501926, ClinGen allele CA16613022.

ClinVar aggregate classification (germline): Uncertain significance (1 of 4 stars; one submission).

Conditions:
RASopathy. Also called: rasopathies; Noonan spectrum disorder. Identifiers: Orphanet 536391, MedGen C5555857, MONDO:0021060.

Allele frequency attached by ClinVar (database versions not stated): TOPMed below 0.00001; gnomAD exomes 0.00001.
gnomAD v4.1: 9 of 1,613,828 alleles (0.00056%); highest among the groups gnomAD compares: Non-Finnish European, 0.000085%; no homozygotes.

Submission:

Labcorp Genetics (formerly Invitae), Labcorp
Classification: Uncertain significance for RASopathy. Last evaluated: 2025-04-24. Review status: criteria provided, single submitter. Criteria: Invitae Variant Classification Sherloc (09022015). Collection method: clinical testing. Allele origin: germline.
Comment: This sequence change replaces proline, which is neutral and non-polar, with alanine, which is neutral and non-polar, at codon 534 of the SHOC2 protein (p.Pro534Ala). This variant is present in population databases (no rsID available, gnomAD 0.02%). This variant has not been reported in the literature in individuals affected with SHOC2-related conditions. ClinVar contains an entry for this variant (Variation ID: 408332). Invitae Evidence Modeling of protein sequence and biophysical properties (such as structural, functional, and spatial information, amino acid conservation, physicochemical variation, residue mobility, and thermodynamic stability) indicates that this missense variant is expected to disrupt SHOC2 protein function with a positive predictive value of 80%. In summary, the available evidence is currently insufficient to determine the role of this variant in disease. Therefore, it has been classified as a Variant of Uncertain Significance.